The following is an entry in ClinVar:

ClinVar aggregate classification (germline): Conflicting classifications of pathogenicity. Review status: criteria provided, conflicting classifications (1 of 4 stars). 5 submissions from 1 submitter: Uncertain significance (2); Likely benign (3). Last evaluated 2018-01-12.

Conditions:
Sulfate transporter-related osteochondrodysplasia. Also called: DTDST-related dysplasias. Identifiers: MedGen CN120497. Disease mechanism: loss of function.
Achondrogenesis, type IB (ACG1B). Also called: Achondrogenesis Type 1B. Identifiers: Orphanet 932, Orphanet 93298, MedGen C0265274, MONDO:0010966, OMIM 600972.
Atelosteogenesis type II (AO2). Also called: NEONATAL OSSEOUS DYSPLASIA I; Neonatal osseous dysplasia 1; SLC26A2-Related Atelosteogenesis. Identifiers: Orphanet 56304, MedGen C1850554, MONDO:0009727, OMIM 256050.
Multiple epiphyseal dysplasia type 4 (EDM4). Also called: MULTIPLE EPIPHYSEAL DYSPLASIA WITH BILAYERED PATELLAE; MULTIPLE EPIPHYSEAL DYSPLASIA WITH CLUBFOOT; MULTIPLE EPIPHYSEAL DYSPLASIA, AUTOSOMAL RECESSIVE; SLC26A2-Related Multiple Epiphyseal Dysplasia; Multiple Epiphyseal Dysplasia, Recessive. Identifiers: Orphanet 93307, MedGen C1847593, MONDO:0009189, OMIM 226900.
Diastrophic dysplasia (DTD). Also called: Diastrophic dwarfism. Identifiers: Orphanet 628, MedGen C0220726, MONDO:0009107, OMIM 222600.

Allele frequency attached by ClinVar (database versions not stated): 1000 Genomes Project 0.00220; 1000 Genomes Project 30x 0.00250; gnomAD 0.00260 and 0.00280; TOPMed 0.00275.
gnomAD v4.1: 517 of 572,902 alleles (0.09%); highest among the groups gnomAD compares: African/African-American, 0.88%; 2 homozygotes.

Submissions (5):

Illumina Laboratory Services, Illumina
Classification: Likely benign for Atelosteogenesis type II. Last evaluated: 2018-01-12. Review status: criteria provided, single submitter. Criteria: ICSL Variant Classification Criteria 13 December 2019. Collection method: clinical testing. Allele origin: germline.
Comment: This variant was observed in the ICSL laboratory as part of a predisposition screen in an ostensibly healthy population. It had not been previously curated by ICSL or reported in the Human Gene Mutation Database (HGMD: prior to June 1st, 2018), and was therefore a candidate for classification through an automated scoring system. Utilizing variant allele frequency, disease prevalence and penetrance estimates, and inheritance mode, an automated score was calculated to assess if this variant is too frequent to cause the disease. Based on the score and internal cut-off values, a variant classified as likely benign is not then subjected to further curation. The score for this variant resulted in a classification of likely benign for this disease.

Illumina Laboratory Services, Illumina
Classification: Likely benign for Achondrogenesis, type IB. Last evaluated: 2018-01-12. Review status: criteria provided, single submitter. Criteria: ICSL Variant Classification Criteria 13 December 2019. Collection method: clinical testing. Allele origin: germline.
Comment: the same text as in the submission from Illumina Laboratory Services, Illumina above.

Illumina Laboratory Services, Illumina
Classification: Uncertain significance for Osteochondrodysplasia. Last evaluated: 2018-01-12. Review status: criteria provided, single submitter. Criteria: ICSL Variant Classification Criteria 13 December 2019. Collection method: clinical testing. Allele origin: germline.

Illumina Laboratory Services, Illumina
Classification: Uncertain significance for Multiple epiphyseal dysplasia type 4. Last evaluated: 2018-01-12. Review status: criteria provided, single submitter. Criteria: ICSL Variant Classification Criteria 13 December 2019. Collection method: clinical testing. Allele origin: germline.

Illumina Laboratory Services, Illumina
Classification: Likely benign for Diastrophic dysplasia. Last evaluated: 2018-01-12. Review status: criteria provided, single submitter. Criteria: ICSL Variant Classification Criteria 13 December 2019. Collection method: clinical testing. Allele origin: germline.
Comment: the same text as in the submission from Illumina Laboratory Services, Illumina above.

NM_000112.4(SLC26A2):c.*205G>A

Gene: SLC26A2 (solute carrier family 26 member 2; plus strand). Cytogenetic location: 5q32.
Variant type: single nucleotide variant.
Coding change: c.*205G>A on transcript NM_000112.4 (MANE Select); 205 bases downstream of the stop codon, G replaced by A.
Molecular consequence: 3 prime UTR variant.
Genome position (GRCh38, 1-based): chr5:149,982,018, G>A. VCF-style: chr5-149982018-G-A. GRCh37 (hg19) VCF-style: chr5-149361581-G-A.
Identifiers: ClinVar variation 352034 (VCV000352034.5), dbSNP rs115383424, ClinGen allele CA10623612.
Genomic context (GRCh38, chr5:149,982,018, plus strand): 5'-TTTGTATATACACACTGCAGCAGAGCTTGTAGCTGGACAGAGTCAAAAAGAAGAAAATAC[G>A]GTTTCAGGCTTTCTTGCAGATATGAAGTATTCTTGGAATGCAATAAGTATGTATTGAACT-3'